The following is an entry in ClinVar:

ClinVar aggregate classification (germline): Pathogenic (1 of 4 stars; one submission).

Submission:

GeneDx
Classification: Pathogenic. Last evaluated: 2024-03-15. Review status: criteria provided, single submitter. Criteria: GeneDx Variant Classification Process June 2021. Collection method: clinical testing. Allele origin: germline. Affected: yes.
Comment: Canonical splice site variant predicted to result in a null allele in a gene for which loss of function is a known mechanism of disease; Not observed at significant frequency in large population cohorts (gnomAD); Has not been previously published as pathogenic or benign to our knowledge

NM_001378687.1(ATP2C1):c.423-2A>G

Gene: ATP2C1 (ATPase secretory pathway Ca2+ transporting 1; plus strand). Cytogenetic location: 3q22.1.
Variant type: single nucleotide variant.
Coding change: c.423-2A>G on transcript NM_001378687.1 (MANE Select); the canonical splice acceptor site of the intron before coding-DNA position 423, A replaced by G.
Molecular consequence: splice acceptor variant.
Genome position (GRCh38, 1-based): chr3:130,941,589, A>G. VCF-style: chr3-130941589-A-G. GRCh37 (hg19) VCF-style: chr3-130660433-A-G.
Other names: c.525-2A>G (NM_001378511.1, NM_001199180.2, NM_001199181.3); c.408-2A>G (NM_001199182.2); c.423-2A>G (NM_001001486.2, NM_001001487.2, NM_001001485.3 and 5 more transcripts); c.375-2A>G (NM_001378514.1, NM_001199183.2, NM_001199184.3).
Identifiers: ClinVar variation 3340302 (VCV003340302.1).